The following is an entry in ClinVar:

ClinVar aggregate classification (germline): Uncertain significance (1 of 4 stars; one submission).

Conditions:
Retinitis pigmentosa 1 (RP1). Identifiers: Orphanet 791, MedGen C0220701, MONDO:0008377, OMIM 180100.

Submission:

3billion
Classification: Uncertain significance for Retinitis pigmentosa 1. Last evaluated: 2024-10-16. Review status: criteria provided, single submitter. Criteria: ACMG Guidelines, 2015. Collection method: clinical testing. Allele origin: germline. Affected: yes.
Comment: The variant is not observed in the gnomAD v4.1.0 dataset. Predicted Consequence/Location: Missense variant. The majority of the known disease-causing variants of this gene are variants expected to result in premature termination of the protein. In silico tool predictions suggest damaging effect of the variant on gene or gene product [REVEL: 0.91 (>=0.6, sensitivity 0.68 and specificity 0.92); 3Cnet: 0.67 (>=0.6, sensitivity 0.72 and precision 0.9)]. Therefore, this variant is classified as VUS according to the recommendation of ACMG/AMP guideline.

NM_006269.2(RP1):c.254C>T (p.Thr85Ile)

Gene: RP1 (RP1 axonemal microtubule associated; plus strand). Cytogenetic location: 8q12.1.
Variant type: single nucleotide variant.
Coding change: c.254C>T on transcript NM_006269.2 (MANE Select); coding-DNA position 254, C replaced by T.
Protein change: p.Thr85Ile; replaces threonine 85 with isoleucine.
Molecular consequence: missense variant.
Genome position (GRCh38, 1-based): chr8:54,621,220, C>T. VCF-style: chr8-54621220-C-T. GRCh37 (hg19) VCF-style: chr8-55533780-C-T.
Other names: c.254C>T, p.Thr85Ile (NM_001375654.1); short protein forms T85I.
Identifiers: ClinVar variation 4293503 (VCV004293503.1).
Genomic context (GRCh38, chr8:54,621,220, plus strand): 5'-CTCTGCTGGATAACTTGTCCAGGAAGGTGCCCCTCCCTTTTGGAGTGAGGAACATCAGCA[C>T]CCCTCGGGGCAGGCACAGCATCACGCGCCTGGAGGAGCTGGAGGACGGCGAGTCCTACCT-3'
Protein context (NP_006260.1, residues 75-95): PLPFGVRNIS[Thr85Ile]PRGRHSITRL